The following is an entry in ClinVar:

ClinVar aggregate classification (germline): Uncertain significance (1 of 4 stars; one submission).

Allele frequency attached by ClinVar (database versions not stated): gnomAD exomes below 0.00001.
gnomAD v4.1: 2 of 1,611,374 alleles (0.00012%); highest among the groups gnomAD compares: Non-Finnish European, 0.000085%; no homozygotes.

Submission:

Labcorp Genetics (formerly Invitae), Labcorp
Classification: Uncertain significance. Last evaluated: 2022-05-15. Review status: criteria provided, single submitter. Criteria: Invitae Variant Classification Sherloc (09022015). Collection method: clinical testing. Allele origin: germline.
Comment: In summary, the available evidence is currently insufficient to determine the role of this variant in disease. Therefore, it has been classified as a Variant of Uncertain Significance. Algorithms developed to predict the effect of missense changes on protein structure and function (SIFT, PolyPhen-2, Align-GVGD) all suggest that this variant is likely to be disruptive. This variant has not been reported in the literature in individuals affected with RUSC2-related conditions. This variant is not present in population databases (gnomAD no frequency). This sequence change replaces arginine, which is basic and polar, with glycine, which is neutral and non-polar, at codon 667 of the RUSC2 protein (p.Arg667Gly).

NM_014806.5(RUSC2):c.1999A>G (p.Arg667Gly)

Gene: RUSC2 (RUN and SH3 domain containing 2; plus strand). Cytogenetic location: 9p13.3.
Variant type: single nucleotide variant.
Coding change: c.1999A>G on transcript NM_014806.5 (MANE Select); coding-DNA position 1999, A replaced by G.
Protein change: p.Arg667Gly; replaces arginine 667 with glycine.
Molecular consequence: missense variant. On other transcripts: intron variant (1).
Genome position (GRCh38, 1-based): chr9:35,548,520, A>G. VCF-style: chr9-35548520-A-G. GRCh37 (hg19) VCF-style: chr9-35548517-A-G.
Other names: c.1999A>G, p.Arg667Gly (NM_001135999.2); c.-620-6540A>G (NM_001330740.2); short protein forms R667G.
Identifiers: ClinVar variation 2112859 (VCV002112859.4), dbSNP rs2490386258, ClinGen allele CA373337354.